The following is an entry in ClinVar:

ClinVar aggregate classification (germline): Pathogenic/Likely pathogenic. Review status: criteria provided, multiple submitters, no conflicts (2 of 4 stars). 2 submissions from 2 submitters: Pathogenic (1); Likely pathogenic (1). Last evaluated 2022-04-30.

Conditions:
GM1 gangliosidosis type 2. Also called: GANGLIOSIDOSIS, GENERALIZED GM1, JUVENILE TYPE; GANGLIOSIDOSIS, GENERALIZED GM1, TYPE II; Juvenile GM>1< gangliosidosis; GM1-GANGLIOSIDOSIS, TYPE II; Gangliosidosis, Generalized GM1, Type 2. Identifiers: Orphanet 354, Orphanet 79256, MedGen C0268272, MONDO:0009261, OMIM 230600.
Mucopolysaccharidosis, MPS-IV-B (MPS4B). Also called: Mucopolysaccharidosis Type IVB (Morquio B Disease); MORQUIO SYNDROME B; Mucopolysaccharidosis type 4B; Mucopolysaccharidosis type IVB (Morquio); MPS IVB; Mucopolysaccharidosis type IV B. Identifiers: Orphanet 309310, Orphanet 582, MedGen C0086652, MONDO:0009660, OMIM 253010.
GM1 gangliosidosis type 3. Also called: GANGLIOSIDOSIS, GENERALIZED GM1, ADULT TYPE; GANGLIOSIDOSIS, GENERALIZED GM1, CHRONIC TYPE; GANGLIOSIDOSIS, GENERALIZED GM1, TYPE III; Beta-galactosidase deficiency; Adult GM1 gangliosidosis; Type 3 (adult) GM1 gangliosidosis. Identifiers: Orphanet 79257, MedGen C0268273, MONDO:0009262, OMIM 230650.
Infantile GM1 gangliosidosis. Also called: GM1 gangliosidosis type 1; GM1-gangliosidosis, type I; Gangliosidosis, generalized GM1, infantile form; GLB1 deficiency; Gangliosidosis, Generalized GM1, Type 1. Identifiers: Orphanet 354, Orphanet 79255, MedGen C0268271, MONDO:0009260, OMIM 230500.
GM1 gangliosidosis. Identifiers: Orphanet 354, MedGen C0085131, MONDO:0018149.

Submissions (2):

Labcorp Genetics (formerly Invitae), Labcorp
Classification: Pathogenic for Mucopolysaccharidosis, MPS-IV-B; GM1 gangliosidosis. Last evaluated: 2022-04-30. Review status: criteria provided, single submitter. Criteria: Invitae Variant Classification Sherloc (09022015). Collection method: clinical testing. Allele origin: germline.
Comment: This sequence change creates a premature translational stop signal (p.Cys258*) in the GLB1 gene. It is expected to result in an absent or disrupted protein product. Loss-of-function variants in GLB1 are known to be pathogenic (PMID: 18524657). This variant is not present in population databases (gnomAD no frequency). This variant has not been reported in the literature in individuals affected with GLB1-related conditions. For these reasons, this variant has been classified as Pathogenic.

Juno Genomics, Hangzhou Juno Genomics, Inc
Classification: Likely pathogenic for Infantile GM1 gangliosidosis; GM1 gangliosidosis type 2; GM1 gangliosidosis type 3; Mucopolysaccharidosis, MPS-IV-B. Review status: criteria provided, single submitter. Criteria: ACMG Guidelines, 2015. Collection method: clinical testing. Allele origin: germline.
Comment: Null variant in a gene where loss of function (LOF) is a known mechanism of disease.;Absent from controls (or at extremely low frequency if recessive) in Genome Aggregation Database.

Literature cited by the submitters: PubMed 18524657 (cited by Labcorp Genetics (formerly Invitae), Labcorp).

NM_000404.4(GLB1):c.774T>A (p.Cys258Ter)

Gene: GLB1 (galactosidase beta 1; minus strand). Cytogenetic location: 3p22.3.
Variant type: single nucleotide variant.
Coding change: c.774T>A on transcript NM_000404.4 (MANE Select); coding-DNA position 774, T replaced by A.
Protein change: p.Cys258Ter; replaces cysteine 258 with a stop codon.
Molecular consequence: nonsense.
Genome position (GRCh38, 1-based): chr3:33,053,509, A>T on the plus strand (T>A on the coding strand, the complement: GLB1 is on the minus strand). VCF-style: chr3-33053509-A-T. GRCh37 (hg19) VCF-style: chr3-33095001-A-T.
Other names: c.774T>A, p.Cys258Ter (NM_001393580.1); c.684T>A, p.Cys228Ter (NM_001079811.3); c.381T>A, p.Cys127Ter (NM_001135602.3); c.918T>A, p.Cys306Ter (NM_001317040.2); short protein forms C306*, C127*, C258*, C228*.
Identifiers: ClinVar variation 2132074 (VCV002132074.6), dbSNP rs2471380476, ClinGen allele CA352002670.
Genomic context (GRCh38, chr3:33,053,509, plus strand): 5'-CTCTTAACAGCTGCAAACACACACCTCACCCTCGATTCTTACCAAGGGTCCTTTGGGCTC[A>T]CACTTCCTCTGGCTTAGGAAAGCATCTGTGATGTTGCTGCCTGAAAATTGTAAGAGGGAG-3'